The following is an entry in ClinVar:

ClinVar aggregate classification (germline): Uncertain significance (1 of 4 stars; one submission).

Submission:

Labcorp Genetics (formerly Invitae), Labcorp
Classification: Uncertain significance. Last evaluated: 2025-12-17. Review status: criteria provided, single submitter. Criteria: Invitae Variant Classification Sherloc (09022015). Collection method: clinical testing. Allele origin: germline.
Comment: This sequence change replaces aspartic acid, which is acidic and polar, with glutamic acid, which is acidic and polar, at codon 446 of the DVL3 protein (p.Asp446Glu). This variant is not present in population databases (gnomAD no frequency). This variant has not been reported in the literature in individuals affected with DVL3-related conditions. Invitae Evidence Modeling of protein sequence and biophysical properties (such as structural, functional, and spatial information, amino acid conservation, physicochemical variation, residue mobility, and thermodynamic stability) indicates that this missense variant is not expected to disrupt DVL3 protein function with a negative predictive value of 80%. In summary, the available evidence is currently insufficient to determine the role of this variant in disease. Therefore, it has been classified as a Variant of Uncertain Significance.

NM_004423.4(DVL3):c.1338T>A (p.Asp446Glu)

Gene: DVL3 (dishevelled segment polarity protein 3; plus strand). Cytogenetic location: 3q27.1.
Variant type: single nucleotide variant.
Coding change: c.1338T>A on transcript NM_004423.4 (MANE Select); coding-DNA position 1338, T replaced by A.
Protein change: p.Asp446Glu; replaces aspartic acid 446 with glutamic acid.
Molecular consequence: missense variant.
Genome position (GRCh38, 1-based): chr3:184,167,905, T>A. VCF-style: chr3-184167905-T-A. GRCh37 (hg19) VCF-style: chr3-183885693-T-A.
Other names: short protein forms D446E.
Identifiers: ClinVar variation 4744384 (VCV004744384.1).
Genomic context (GRCh38, chr3:184,167,905, plus strand): 5'-AGATGAGTCCAAGTCAGATGGGCCTCCCCATCAACTGGCAGCCTTGTCCCCAGGCTCAGA[T>A]GTGGTGGACTGGCTGTACCACAATGTGGAAGGCTTCACGGACCGGAGGGAGGCCCGCAAG-3'
Protein context (NP_004414.3, residues 436-456): ITIPNAFIGS[Asp446Glu]VVDWLYHNVE